The following is an entry in ClinVar:

ClinVar aggregate classification (germline): Benign. Review status: criteria provided, multiple submitters, no conflicts (2 of 4 stars). 2 submissions from 2 submitters: Benign (2). Last evaluated 2019-01-11.

Allele frequency attached by ClinVar (database versions not stated): 1000 Genomes Project 0.13419; 1000 Genomes Project 30x 0.13476; TOPMed 0.18649; ESP Exome Variant Server 0.20171; gnomAD exomes 0.20910; ExAC 0.21002.
gnomAD v4.1: 393,979 of 1,612,738 alleles (24%); highest among the groups gnomAD compares: Non-Finnish European, 27%; 51,695 homozygotes.

Submissions (2):

GeneDx
Classification: Benign. Last evaluated: 2019-01-11. Review status: criteria provided, single submitter. Criteria: GeneDx Variant Classification Process June 2021. Collection method: clinical testing. Allele origin: germline. Affected: yes.
Comment: This variant is associated with the following publications: (PMID: 29083408)

Breakthrough Genomics
Classification: Benign. Review status: criteria provided, single submitter. Criteria: ACMG Guidelines, 2015. Collection method: not provided. Allele origin: germline. Inheritance: Unknown mechanism. Affected: yes.

NM_014866.2(SEC16A):c.3115C>T (p.Arg1039Cys)

Gene: SEC16A (SEC16 homolog A, endoplasmic reticulum export factor; minus strand). Cytogenetic location: 9q34.3.
Variant type: single nucleotide variant.
Coding change: c.3115C>T on transcript NM_014866.2 (MANE Select); coding-DNA position 3115, C replaced by T.
Protein change: p.Arg1039Cys; replaces arginine 1039 with cysteine.
Molecular consequence: missense variant.
Genome position (GRCh38, 1-based): chr9:136,474,501, G>A on the plus strand (C>T on the coding strand, the complement: SEC16A is on the minus strand). VCF-style: chr9-136474501-G-A. GRCh37 (hg19) VCF-style: chr9-139368953-G-A.
Other names: c.3115C>T, p.Arg1039Cys (NM_001276418.2); short protein forms R1039C.
Identifiers: ClinVar variation 1235901 (VCV001235901.4), dbSNP rs3812594, ClinGen allele CA5338758.